The following is an entry in ClinVar:

NM_022124.6(CDH23):c.9076C>T (p.Arg3026Trp)

Gene: CDH23 (cadherin related 23; plus strand). Cytogenetic location: 10q22.1.
Variant type: single nucleotide variant.
Coding change: c.9076C>T on transcript NM_022124.6 (MANE Select); coding-DNA position 9076, C replaced by T.
Protein change: p.Arg3026Trp; replaces arginine 3026 with tryptophan.
Molecular consequence: missense variant.
Genome position (GRCh38, 1-based): chr10:71,810,568, C>T. VCF-style: chr10-71810568-C-T. GRCh37 (hg19) VCF-style: chr10-73570325-C-T.
Other names: c.2356C>T, p.Arg786Trp (NM_001171933.1, NM_001171934.1); short protein forms R786W, R3026W.
Identifiers: ClinVar variation 1924600 (VCV001924600.2), dbSNP rs757027854, ClinGen allele CA5546854.
Genomic context (GRCh38, chr10:71,810,568, plus strand): 5'-CAGACAGAACTGCTTATCCACGTGGTGAACCGCGATACCAACCGCATCCTGGACGTGGAC[C>T]GGTGAGTCGGGGCCTGTGTTTGGACTGTCAGCCTGTCTGTCTGCCTGCCTCCCTGCCCTG-3'
Protein context (NP_071407.4, residues 3016-3036): RDTNRILDVD[Arg3026Trp]VIQMIDENKE

ClinVar aggregate classification (germline): Uncertain significance (1 of 4 stars; one submission).

Allele frequency attached by ClinVar (database versions not stated): TOPMed below 0.00001; ExAC 0.00001; gnomAD 0.00001.
gnomAD v4.1: 14 of 1,613,610 alleles (0.00087%); highest among the groups gnomAD compares: Non-Finnish European, 0.0011%; no homozygotes.

Submission:

Labcorp Genetics (formerly Invitae), Labcorp
Classification: Uncertain significance. Last evaluated: 2022-01-02. Review status: criteria provided, single submitter. Criteria: Invitae Variant Classification Sherloc (09022015). Collection method: clinical testing. Allele origin: germline.
Comment: This sequence change replaces arginine, which is basic and polar, with tryptophan, which is neutral and slightly polar, at codon 3026 of the CDH23 protein (p.Arg3026Trp). This variant is present in population databases (rs757027854, gnomAD 0.003%). This variant has not been reported in the literature in individuals affected with CDH23-related conditions. Algorithms developed to predict the effect of missense changes on protein structure and function are either unavailable or do not agree on the potential impact of this missense change (SIFT: "Deleterious"; PolyPhen-2: "Not Available"; Align-GVGD: "Class C0"). In summary, the available evidence is currently insufficient to determine the role of this variant in disease. Therefore, it has been classified as a Variant of Uncertain Significance.